The following is an entry in ClinVar:

ClinVar aggregate classification (germline): Uncertain significance (1 of 4 stars; one submission).

Conditions:
Autosomal recessive distal spinal muscular atrophy 1. Also called: NEURONOPATHY, SEVERE INFANTILE AXONAL, WITH RESPIRATORY FAILURE; SEVERE INFANTILE AXONAL NEUROPATHY WITH RESPIRATORY FAILURE; SPINAL MUSCULAR ATROPHY, DIAPHRAGMATIC; HMN VI; Spinal muscular atrophy with respiratory distress 1; NEURONOPATHY, DISTAL HEREDITARY MOTOR, HARDING TYPE VI. Identifiers: Orphanet 98920, MedGen C1858517, MONDO:0011436, OMIM 604320.
Charcot-Marie-Tooth disease axonal type 2S. Also called: CHARCOT-MARIE-TOOTH NEUROPATHY, TYPE 2S; CHARCOT-MARIE-TOOTH DISEASE, AXONAL, AUTOSOMAL RECESSIVE, TYPE 2S. Identifiers: Orphanet 443073, MedGen C4015349, MONDO:0014511, OMIM 616155.

Allele frequency attached by ClinVar (database versions not stated): gnomAD exomes below 0.00001 and 0.00001; TOPMed below 0.00001; gnomAD 0.00001.
gnomAD v4.1: 5 of 1,613,188 alleles (0.00031%); highest among the groups gnomAD compares: Non-Finnish European, 0.00042%; no homozygotes.

Submission:

Labcorp Genetics (formerly Invitae), Labcorp
Classification: Uncertain significance for Autosomal recessive distal spinal muscular atrophy 1; Charcot-Marie-Tooth disease axonal type 2S. Last evaluated: 2021-05-11. Review status: criteria provided, single submitter. Criteria: Invitae Variant Classification Sherloc (09022015). Collection method: clinical testing. Allele origin: germline.
Comment: This variant has not been reported in the literature in individuals with IGHMBP2-related conditions. This sequence change replaces lysine with arginine at codon 316 of the IGHMBP2 protein (p.Lys316Arg). The lysine residue is weakly conserved and there is a small physicochemical difference between lysine and arginine. This variant is not present in population databases (ExAC no frequency). Advanced modeling of protein sequence and biophysical properties (such as structural, functional, and spatial information, amino acid conservation, physicochemical variation, residue mobility, and thermodynamic stability) performed at Invitae indicates that this missense variant is not expected to disrupt IGHMBP2 protein function. In summary, the available evidence is currently insufficient to determine the role of this variant in disease. Therefore, it has been classified as a Variant of Uncertain Significance.

NM_002180.3(IGHMBP2):c.947A>G (p.Lys316Arg)

Gene: IGHMBP2 (immunoglobulin mu DNA binding protein 2; plus strand). Cytogenetic location: 11q13.3.
Variant type: single nucleotide variant.
Coding change: c.947A>G on transcript NM_002180.3 (MANE Select); coding-DNA position 947, A replaced by G.
Protein change: p.Lys316Arg; replaces lysine 316 with arginine.
Molecular consequence: missense variant.
Genome position (GRCh38, 1-based): chr11:68,917,770, A>G. VCF-style: chr11-68917770-A-G. GRCh37 (hg19) VCF-style: chr11-68685238-A-G.
Other names: short protein forms K316R.
Identifiers: ClinVar variation 1386017 (VCV001386017.8), dbSNP rs1323805346, ClinGen allele CA381644793.